The following is an entry in ClinVar:

ClinVar aggregate classification (germline): Uncertain significance. Review status: criteria provided, multiple submitters, no conflicts (2 of 4 stars). 3 submissions from 3 submitters: Uncertain significance (3). Last evaluated 2023-04-14.

Conditions:
Joubert syndrome. Also called: JOUBERT-BOLTSHAUSER SYNDROME; Familial aplasia of the vermis. Identifiers: Orphanet 475, MedGen C5979921, MONDO:0018772.

Allele frequency attached by ClinVar (database versions not stated): TOPMed 0.00001.
gnomAD v4.1: 2 of 1,607,076 alleles (0.00012%); no homozygotes.

Submissions (3):

Blueprint Genetics
Classification: Uncertain significance. Last evaluated: 2023-04-14. Review status: criteria provided, single submitter. Criteria: ACMG Guidelines, 2015. Collection method: clinical testing. Allele origin: germline.

Labcorp Genetics (formerly Invitae), Labcorp
Classification: Uncertain significance for Joubert syndrome. Last evaluated: 2022-06-28. Review status: criteria provided, single submitter. Criteria: Invitae Variant Classification Sherloc (09022015). Collection method: clinical testing. Allele origin: germline.
Comment: This sequence change replaces serine, which is neutral and polar, with arginine, which is basic and polar, at codon 51 of the AHI1 protein (p.Ser51Arg). This variant is not present in population databases (gnomAD no frequency). This variant has not been reported in the literature in individuals affected with AHI1-related conditions. ClinVar contains an entry for this variant (Variation ID: 1307561). Advanced modeling of protein sequence and biophysical properties (such as structural, functional, and spatial information, amino acid conservation, physicochemical variation, residue mobility, and thermodynamic stability) performed at Invitae indicates that this missense variant is not expected to disrupt AHI1 protein function. In summary, the available evidence is currently insufficient to determine the role of this variant in disease. Therefore, it has been classified as a Variant of Uncertain Significance.

GeneDx
Classification: Uncertain significance. Last evaluated: 2019-08-12. Review status: criteria provided, single submitter. Criteria: GeneDx Variant Classification Process June 2021. Collection method: clinical testing. Allele origin: germline. Affected: yes.
Comment: Not observed in large population cohorts (Lek et al., 2016); In silico analysis, which includes protein predictors and evolutionary conservation, supports that this variant does not alter protein structure/function; Has not been previously published as pathogenic or benign to our knowledge

NM_001134831.2(AHI1):c.153C>G (p.Ser51Arg)

Gene: AHI1 (Abelson helper integration site 1; minus strand). Cytogenetic location: 6q23.3.
Variant type: single nucleotide variant.
Coding change: c.153C>G on transcript NM_001134831.2 (MANE Select); coding-DNA position 153, C replaced by G.
Protein change: p.Ser51Arg; replaces serine 51 with arginine.
Molecular consequence: missense variant.
Genome position (GRCh38, 1-based): chr6:135,467,617, G>C on the plus strand (C>G on the coding strand, the complement: AHI1 is on the minus strand). VCF-style: chr6-135467617-G-C. GRCh37 (hg19) VCF-style: chr6-135788755-G-C.
Other names: c.153C>G, p.Ser51Arg (NM_001134830.2, NM_001134832.2, NM_001350503.2 and 2 more transcripts); short protein forms S51R.
Identifiers: ClinVar variation 1307561 (VCV001307561.8), dbSNP rs1790994808, ClinGen allele CA365753625.